The following is an entry in ClinVar:

ClinVar aggregate classification (germline): Uncertain significance (1 of 4 stars; one submission).

Conditions:
Lysinuric protein intolerance (LPI). Identifiers: Orphanet 470, MedGen C0268647, MONDO:0009109, OMIM 222700.

gnomAD v4.1: 5 of 1,614,016 alleles (0.00031%); highest among the groups gnomAD compares: Non-Finnish European, 0.00042%; no homozygotes.

Submission:

Labcorp Genetics (formerly Invitae), Labcorp
Classification: Uncertain significance for Lysinuric protein intolerance. Last evaluated: 2022-08-15. Review status: criteria provided, single submitter. Criteria: Invitae Variant Classification Sherloc (09022015). Collection method: clinical testing. Allele origin: germline.
Comment: This sequence change replaces leucine, which is neutral and non-polar, with phenylalanine, which is neutral and non-polar, at codon 370 of the SLC7A7 protein (p.Leu370Phe). This variant is not present in population databases (gnomAD no frequency). This variant has not been reported in the literature in individuals affected with SLC7A7-related conditions. ClinVar contains an entry for this variant (Variation ID: 1502762). Algorithms developed to predict the effect of missense changes on protein structure and function are either unavailable or do not agree on the potential impact of this missense change (SIFT: "Tolerated"; PolyPhen-2: "Possibly Damaging"; Align-GVGD: "Class C0"). In summary, the available evidence is currently insufficient to determine the role of this variant in disease. Therefore, it has been classified as a Variant of Uncertain Significance.

NM_003982.4(SLC7A7):c.1110G>C (p.Leu370Phe)

Gene: SLC7A7 (solute carrier family 7 member 7; minus strand). Cytogenetic location: 14q11.2.
Variant type: single nucleotide variant.
Coding change: c.1110G>C on transcript NM_003982.4 (MANE Select); coding-DNA position 1110, G replaced by C.
Protein change: p.Leu370Phe; replaces leucine 370 with phenylalanine.
Molecular consequence: missense variant.
Genome position (GRCh38, 1-based): chr14:22,774,489, C>G on the plus strand (G>C on the coding strand, the complement: SLC7A7 is on the minus strand). VCF-style: chr14-22774489-C-G. GRCh37 (hg19) VCF-style: chr14-23243698-C-G.
Other names: c.1110G>C, p.Leu370Phe (NM_001126105.3, NM_001126106.4); short protein forms L370F.
Identifiers: ClinVar variation 1502762 (VCV001502762.5), dbSNP rs1267303478, ClinGen allele CA388922712.